The following is an entry in ClinVar:

ClinVar aggregate classification (germline): Uncertain significance (1 of 4 stars; one submission).

Conditions:
Long QT syndrome (LQTS). Identifiers: MedGen C0023976, MeSH D008133, MONDO:0002442. Disease mechanism: loss of function. Inheritance: Various modes of inheritance.

gnomAD v4.1: 14 of 1,614,054 alleles (0.00087%); highest among the groups gnomAD compares: Non-Finnish European, 0.0012%; no homozygotes.

Submission:

Labcorp Genetics (formerly Invitae), Labcorp
Classification: Uncertain significance for Long QT syndrome. Last evaluated: 2025-03-05. Review status: criteria provided, single submitter. Criteria: Invitae Variant Classification Sherloc (09022015). Collection method: clinical testing. Allele origin: germline.
Comment: This sequence change replaces leucine, which is neutral and non-polar, with valine, which is neutral and non-polar, at codon 2156 of the AKAP9 protein (p.Leu2156Val). This variant is not present in population databases (gnomAD no frequency). This variant has not been reported in the literature in individuals affected with AKAP9-related conditions. An algorithm developed to predict the effect of missense changes on protein structure and function (PolyPhen-2) suggests that this variant is likely to be disruptive. In summary, the available evidence is currently insufficient to determine the role of this variant in disease. Therefore, it has been classified as a Variant of Uncertain Significance.

NM_005751.5(AKAP9):c.6466C>G (p.Leu2156Val)

Gene: AKAP9 (A-kinase anchoring protein 9; plus strand). Cytogenetic location: 7q21.2.
Variant type: single nucleotide variant.
Coding change: c.6466C>G on transcript NM_005751.5 (MANE Select); coding-DNA position 6466, C replaced by G.
Protein change: p.Leu2156Val; replaces leucine 2156 with valine.
Molecular consequence: missense variant.
Genome position (GRCh38, 1-based): chr7:92,070,165, C>G. VCF-style: chr7-92070165-C-G. GRCh37 (hg19) VCF-style: chr7-91699479-C-G.
Other names: c.1111C>G, p.Leu371Val (NM_001379277.1); c.6466C>G, p.Leu2156Val (NM_147185.3); short protein forms L2156V, L371V.
Identifiers: ClinVar variation 4774753 (VCV004774753.1).
Genomic context (GRCh38, chr7:92,070,165, plus strand): 5'-CAAAGGGATATACAAGAAAGGAATGAAGAAATAGAGAAACTGGAGTTCAGAGTAAGAGAA[C>G]TGGAGCAGGCGCTTCTTGTGAGTGCAGATACTTTTCAAAAGGTGTGGCATTTTATTTGGG-3'
Protein context (NP_005742.4, residues 2146-2166): IEKLEFRVRE[Leu2156Val]EQALLVSADT